The following is an entry in ClinVar:

ClinVar aggregate classification (germline): Uncertain significance (1 of 4 stars; one submission).

Allele frequency attached by ClinVar (database versions not stated): gnomAD 0.00001; TOPMed 0.00001.

Submission:

Women's Health and Genetics/Laboratory Corporation of America, LabCorp
Classification: Uncertain significance. Last evaluated: 2023-06-26. Review status: criteria provided, single submitter. Criteria: LabCorp Variant Classification Summary - May 2015. Collection method: clinical testing. Allele origin: germline.
Comment: Variant summary: RPE65 c.542C>T (p.Pro181Leu) results in a non-conservative amino acid change in the encoded protein sequence. Five of five in-silico tools predict a damaging effect of the variant on protein function. The variant was absent in 251140 control chromosomes (gnomAD). c.542C>T has been reported in the literature in the homozygous state in an individual affected with Leber Congenital Amaurosis (Coppieters_2010). These data indicate that the variant may be associated with disease. To our knowledge, no experimental evidence demonstrating an impact on protein function has been reported. The following publication has been ascertained in the context of this evaluation (PMID: 20683928). No submitters have cited clinical-significance assessments for this variant to ClinVar after 2014. Based on the evidence outlined above, the variant was classified as VUS-possibly pathogenic.

Literature cited by the submitters: PubMed 20683928.

NM_000329.3(RPE65):c.542C>T (p.Pro181Leu)

Gene: RPE65 (retinoid isomerohydrolase RPE65; minus strand). Cytogenetic location: 1p31.3.
Variant type: single nucleotide variant.
Coding change: c.542C>T on transcript NM_000329.3 (MANE Select); coding-DNA position 542, C replaced by T.
Protein change: p.Pro181Leu; replaces proline 181 with leucine.
Molecular consequence: missense variant.
Genome position (GRCh38, 1-based): chr1:68,440,954, G>A on the plus strand (C>T on the coding strand, the complement: RPE65 is on the minus strand). VCF-style: chr1-68440954-G-A. GRCh37 (hg19) VCF-style: chr1-68906637-G-A.
Other names: c.434C>T, p.Pro145Leu (NM_001406853.1); c.266C>T, p.Pro89Leu (NM_001406856.1, NM_001406857.1); c.542C>T, p.Pro181Leu (NM_001406859.1); short protein forms P145L, P181L, P89L.
Identifiers: ClinVar variation 2573393 (VCV002573393.1), dbSNP rs1335032692, ClinGen allele CA340747137.